The following is an entry in ClinVar:

ClinVar aggregate classification (germline): Uncertain significance. Review status: criteria provided, multiple submitters, no conflicts (2 of 4 stars). 3 submissions from 3 submitters: Uncertain significance (3). Last evaluated 2023-11-27.

Allele frequency attached by ClinVar (database versions not stated): 1000 Genomes Project 30x 0.00016; 1000 Genomes Project 0.00020; ExAC 0.00021; gnomAD exomes 0.00022; ESP Exome Variant Server 0.00031.
gnomAD v4.1: 383 of 1,614,176 alleles (0.024%); highest among the groups gnomAD compares: Admixed American, 0.038%; no homozygotes.

Submissions (3):

Labcorp Genetics (formerly Invitae), Labcorp
Classification: Uncertain significance. Last evaluated: 2023-11-27. Review status: criteria provided, single submitter. Criteria: Invitae Variant Classification Sherloc (09022015). Collection method: clinical testing. Allele origin: germline.
Comment: This sequence change replaces asparagine, which is neutral and polar, with serine, which is neutral and polar, at codon 276 of the PCDH12 protein (p.Asn276Ser). This variant is present in population databases (rs143217665, gnomAD 0.05%). This variant has not been reported in the literature in individuals affected with PCDH12-related conditions. ClinVar contains an entry for this variant (Variation ID: 1335600). Advanced modeling of protein sequence and biophysical properties (such as structural, functional, and spatial information, amino acid conservation, physicochemical variation, residue mobility, and thermodynamic stability) performed at Invitae indicates that this missense variant is not expected to disrupt PCDH12 protein function with a negative predictive value of 95%. In summary, the available evidence is currently insufficient to determine the role of this variant in disease. Therefore, it has been classified as a Variant of Uncertain Significance.

GeneDx
Classification: Uncertain significance. Last evaluated: 2022-07-12. Review status: criteria provided, single submitter. Criteria: GeneDx Variant Classification Process June 2021. Collection method: clinical testing. Allele origin: germline. Affected: yes.
Comment: In silico analysis supports that this missense variant has a deleterious effect on protein structure/function; Has not been previously published as pathogenic or benign to our knowledge

CeGaT Center for Human Genetics Tuebingen
Classification: Uncertain significance. Last evaluated: 2021-11-01. Review status: criteria provided, single submitter. Criteria: CeGaT Center For Human Genetics Tuebingen Variant Classification Criteria Version 2. Collection method: clinical testing. Allele origin: germline. Affected: yes. Observed: 1 variant allele.

NM_016580.4(PCDH12):c.827A>G (p.Asn276Ser)

Genes: PCDH12 (protocadherin 12; minus strand), RNF14 (ring finger protein 14; plus strand). Cytogenetic location: 5q31.3.
Variant type: single nucleotide variant.
Coding change: c.827A>G on transcript NM_016580.4 (MANE Select); coding-DNA position 827, A replaced by G.
Protein change: p.Asn276Ser; replaces asparagine 276 with serine.
Molecular consequence: missense variant.
Genome position (GRCh38, 1-based): chr5:141,957,025, T>C on the plus strand (A>G on the coding strand, the complement: PCDH12 is on the minus strand). VCF-style: chr5-141957025-T-C. GRCh37 (hg19) VCF-style: chr5-141336590-T-C.
Other names: short protein forms N276S.
Identifiers: ClinVar variation 1335600 (VCV001335600.38), dbSNP rs143217665, ClinGen allele CA3484502.